The following is an entry in ClinVar:

NM_014795.4(ZEB2):c.2962C>G (p.Arg988Gly)

Gene: ZEB2 (zinc finger E-box binding homeobox 2; minus strand). Cytogenetic location: 2q22.3.
Variant type: single nucleotide variant.
Coding change: c.2962C>G on transcript NM_014795.4 (MANE Select); coding-DNA position 2962, C replaced by G.
Protein change: p.Arg988Gly; replaces arginine 988 with glycine.
Molecular consequence: missense variant.
Genome position (GRCh38, 1-based): chr2:144,396,517, G>C on the plus strand (C>G on the coding strand, the complement: ZEB2 is on the minus strand). VCF-style: chr2-144396517-G-C. GRCh37 (hg19) VCF-style: chr2-145154084-G-C.
Other names: c.2890C>G, p.Arg964Gly (NM_001171653.2); short protein forms R988G, R964G.
Identifiers: ClinVar variation 2810082 (VCV002810082.3), dbSNP rs771693391, ClinGen allele CA348704300.

ClinVar aggregate classification (germline): Uncertain significance (1 of 4 stars; one submission).

Conditions:
Mowat-Wilson syndrome (MOWS). Also called: Classic Mowat-Wilson Syndrome. Identifiers: Orphanet 2152, MedGen C1856113, MONDO:0009341, OMIM 235730.

gnomAD v4.1: 4 of 1,614,008 alleles (0.00025%); highest among the groups gnomAD compares: Non-Finnish European, 0.00025%; no homozygotes.

Submission:

Labcorp Genetics (formerly Invitae), Labcorp
Classification: Uncertain significance for Mowat-Wilson syndrome. Last evaluated: 2023-11-06. Review status: criteria provided, single submitter. Criteria: Invitae Variant Classification Sherloc (09022015). Collection method: clinical testing. Allele origin: germline.
Comment: This sequence change replaces arginine, which is basic and polar, with glycine, which is neutral and non-polar, at codon 988 of the ZEB2 protein (p.Arg988Gly). This variant is not present in population databases (gnomAD no frequency). This variant has not been reported in the literature in individuals affected with ZEB2-related conditions. Advanced modeling of protein sequence and biophysical properties (such as structural, functional, and spatial information, amino acid conservation, physicochemical variation, residue mobility, and thermodynamic stability) performed at Invitae indicates that this missense variant is not expected to disrupt ZEB2 protein function with a negative predictive value of 80%. In summary, the available evidence is currently insufficient to determine the role of this variant in disease. Therefore, it has been classified as a Variant of Uncertain Significance.